The following is an entry in ClinVar:

ClinVar aggregate classification (germline): Uncertain significance (1 of 4 stars; one submission).

Conditions:
Arrhythmogenic right ventricular dysplasia 13. Also called: ARRHYTHMOGENIC RIGHT VENTRICULAR CARDIOMYOPATHY 13; Arrhythmogenic right ventricular dysplasia, familial, 13. Identifiers: MedGen C3810138, MONDO:0000908, OMIM 615616.

Allele frequency attached by ClinVar (database versions not stated): ExAC 0.00001.
gnomAD v4.1: 13 of 1,611,724 alleles (0.00081%); highest among the groups gnomAD compares: Non-Finnish European, 0.0011%; no homozygotes.

Submission:

Labcorp Genetics (formerly Invitae), Labcorp
Classification: Uncertain significance for Arrhythmogenic right ventricular dysplasia 13. Last evaluated: 2023-02-13. Review status: criteria provided, single submitter. Criteria: Invitae Variant Classification Sherloc (09022015). Collection method: clinical testing. Allele origin: germline.
Comment: This sequence change replaces alanine, which is neutral and non-polar, with threonine, which is neutral and polar, at codon 449 of the CTNNA3 protein (p.Ala449Thr). This variant is present in population databases (rs749493440, gnomAD 0.0009%). This variant has not been reported in the literature in individuals affected with CTNNA3-related conditions. Advanced modeling of protein sequence and biophysical properties (such as structural, functional, and spatial information, amino acid conservation, physicochemical variation, residue mobility, and thermodynamic stability) performed at Invitae indicates that this missense variant is not expected to disrupt CTNNA3 protein function. In summary, the available evidence is currently insufficient to determine the role of this variant in disease. Therefore, it has been classified as a Variant of Uncertain Significance.

NM_013266.4(CTNNA3):c.1345G>A (p.Ala449Thr)

Gene: CTNNA3 (catenin alpha 3; minus strand). Cytogenetic location: 10q21.3.
Variant type: single nucleotide variant.
Coding change: c.1345G>A on transcript NM_013266.4 (MANE Select); coding-DNA position 1345, G replaced by A.
Protein change: p.Ala449Thr; replaces alanine 449 with threonine.
Molecular consequence: missense variant.
Genome position (GRCh38, 1-based): chr10:66,621,721, C>T on the plus strand (G>A on the coding strand, the complement: CTNNA3 is on the minus strand). VCF-style: chr10-66621721-C-T. GRCh37 (hg19) VCF-style: chr10-68381479-C-T.
Other names: c.1345G>A, p.Ala449Thr (NM_001127384.3); short protein forms A449T.
Identifiers: ClinVar variation 2993526 (VCV002993526.3), dbSNP rs749493440, ClinGen allele CA5519987.